The following is an entry in ClinVar:

ClinVar aggregate classification (germline): Conflicting classifications of pathogenicity. Review status: criteria provided, conflicting classifications (1 of 4 stars). 6 submissions from 6 submitters: Uncertain significance (5); Likely benign (1). Last evaluated 2026-01-25.

Conditions:
Joubert syndrome. Also called: JOUBERT-BOLTSHAUSER SYNDROME; Familial aplasia of the vermis. Identifiers: Orphanet 475, MedGen C5979921, MONDO:0018772.
Inborn genetic diseases. Identifiers: MedGen C0950123, MeSH D030342.
Joubert syndrome 3 (JBTS3). Also called: AHI1-related Ciliopathy. Identifiers: Orphanet 220493, MedGen C1837713, MONDO:0012078, OMIM 608629.

Allele frequency attached by ClinVar (database versions not stated): gnomAD exomes 0.00001 and 0.00003; ExAC 0.00003; gnomAD 0.00015 and 0.00017; TOPMed 0.00017.
gnomAD v4.1: 37 of 1,608,500 alleles (0.0023%); highest among the groups gnomAD compares: African/African-American, 0.035%; no homozygotes.

Submissions (6):

Labcorp Genetics (formerly Invitae), Labcorp
Classification: Likely benign for Joubert syndrome. Last evaluated: 2026-01-25. Review status: criteria provided, single submitter. Criteria: Invitae Variant Classification Sherloc (09022015). Collection method: clinical testing. Allele origin: germline.

Fulgent Genetics
Classification: Uncertain significance for Joubert syndrome 3. Last evaluated: 2024-04-03. Review status: criteria provided, single submitter. Criteria: ACMG Guidelines, 2015. Collection method: clinical testing. Allele origin: germline.

Centre of Medical Genetics, University Hospital Muenster
Classification: Uncertain significance. Last evaluated: 2023-03-20. Review status: criteria provided, single submitter. Criteria: ACMG Guidelines, 2015. Collection method: clinical testing. Allele origin: unknown. Affected: yes. Observed: 1 variant allele, 1 heterozygote.
Comment: ACMG categories: PM1,PM2

Blueprint Genetics
Classification: Uncertain significance. Last evaluated: 2022-04-05. Review status: criteria provided, single submitter. Criteria: ACMG Guidelines, 2015. Collection method: clinical testing. Allele origin: germline.

GeneDx
Classification: Uncertain significance. Last evaluated: 2021-12-20. Review status: criteria provided, single submitter. Criteria: GeneDx Variant Classification Process June 2021. Collection method: clinical testing. Allele origin: germline. Affected: yes.
Comment: In silico analysis supports that this missense variant does not alter protein structure/function; Has not been previously published as pathogenic or benign to our knowledge; This variant is associated with the following publications: (PMID: 15467982)

Ambry Genetics
Classification: Uncertain significance for Inborn genetic diseases. Last evaluated: 2021-11-15. Review status: criteria provided, single submitter. Criteria: Ambry Variant Classification Scheme 2023. Collection method: clinical testing. Allele origin: germline.

NM_001134831.2(AHI1):c.2548A>G (p.Thr850Ala)

Gene: AHI1 (Abelson helper integration site 1; minus strand). Cytogenetic location: 6q23.3.
Variant type: single nucleotide variant.
Coding change: c.2548A>G on transcript NM_001134831.2 (MANE Select); coding-DNA position 2548, A replaced by G.
Protein change: p.Thr850Ala; replaces threonine 850 with alanine.
Molecular consequence: missense variant.
Genome position (GRCh38, 1-based): chr6:135,428,704, T>C on the plus strand (A>G on the coding strand, the complement: AHI1 is on the minus strand). VCF-style: chr6-135428704-T-C. GRCh37 (hg19) VCF-style: chr6-135749842-T-C.
Other names: c.2548A>G, p.Thr850Ala (NM_001134830.2, NM_001134832.2, NM_001350503.2 and 2 more transcripts); short protein forms T850A.
Identifiers: ClinVar variation 1008642 (VCV001008642.16), dbSNP rs779509262, ClinGen allele CA4012344.